The following is an entry in ClinVar:

ClinVar aggregate classification (germline): Uncertain significance. Review status: criteria provided, multiple submitters, no conflicts (2 of 4 stars). 3 submissions from 3 submitters: Uncertain significance (2). 1 of the submissions does not count toward it. Last evaluated 2024-08-12.

Conditions:
Inborn genetic diseases. Identifiers: MedGen C0950123, MeSH D030342.
Neuronal ceroid lipofuscinosis. Also called: Neuronal Ceroid Lipofuscinoses. Identifiers: Orphanet 216, Orphanet 79263, MedGen C0027877, MONDO:0016295. Disease mechanism: loss of function.
Neuronal ceroid lipofuscinosis 5 (CLN5). Also called: CLN5-Related Neuronal Ceroid-Lipofuscinosis; CEROID LIPOFUSCINOSIS, NEURONAL, 5, VARIABLE AGE AT ONSET; Neuronal ceroid lipofuscinosis Finnish variant; NEURONAL CEROID LIPOFUSCINOSIS, LATE INFANTILE, FINNISH VARIANT. Identifiers: Orphanet 168491, Orphanet 228360, MedGen C1850442, MONDO:0009745, OMIM 256731.

Allele frequency attached by ClinVar (database versions not stated): TOPMed 0.00002; gnomAD 0.00003.

Submissions (3):

Ambry Genetics
Classification: Uncertain significance for Inborn genetic diseases. Last evaluated: 2024-08-12. Review status: criteria provided, single submitter. Criteria: Ambry Variant Classification Scheme 2023. Collection method: clinical testing. Allele origin: germline.

Labcorp Genetics (formerly Invitae), Labcorp
Classification: Uncertain significance for Neuronal ceroid lipofuscinosis. Last evaluated: 2021-09-01. Review status: criteria provided, single submitter. Criteria: Invitae Variant Classification Sherloc (09022015). Collection method: clinical testing. Allele origin: germline.
Comment: This sequence change replaces proline with serine at codon 9 of the CLN5 protein (p.Pro9Ser). The proline residue is weakly conserved and there is a moderate physicochemical difference between proline and serine. This variant is present in population databases (rs767048749, ExAC 0.006%). This variant has not been reported in the literature in individuals affected with CLN5-related conditions. Algorithms developed to predict the effect of missense changes on protein structure and function are either unavailable or do not agree on the potential impact of this missense change (SIFT: "Deleterious"; PolyPhen-2: "Possibly Damaging"; Align-GVGD: "Class C0"). In summary, the available evidence is currently insufficient to determine the role of this variant in disease. Therefore, it has been classified as a Variant of Uncertain Significance.

Natera, Inc.
Classification: Uncertain significance for Neuronal ceroid lipofuscinosis 5. Last evaluated: 2020-04-16. Review status: no assertion criteria provided. Collection method: clinical testing. Allele origin: germline. Not counted in ClinVar's aggregate classification.

NM_006493.4(CLN5):c.-123C>T

Gene: CLN5 (CLN5 lysosomal BMP synthase; plus strand). Cytogenetic location: 13q22.3.
Variant type: single nucleotide variant.
Coding change: c.-123C>T on transcript NM_006493.4 (MANE Select); 123 bases upstream of the start codon, C replaced by T.
Genome position (GRCh38, 1-based): chr13:76,991,976, C>T. VCF-style: chr13-76991976-C-T. GRCh37 (hg19) VCF-style: chr13-77566111-C-T.
Identifiers: ClinVar variation 573164 (VCV000573164.8), dbSNP rs767048749, ClinGen allele CA7007069.
Genomic context (GRCh38, chr13:76,991,976, plus strand): 5'-GTGGAAGCCGCCGCGGGCCGGGCGCGGGGAGGTGTCATGCGCCGGAACCTGCGCTTGGGG[C>T]CAAGCTCTGGAGCTGACGCGCAGGGGCAAGGCGCCCCGCGTCCCGGACTGGCGGCTCCGC-3'